The following is an entry in ClinVar:

ClinVar aggregate classification (germline): Uncertain significance (1 of 4 stars; one submission).

Allele frequency attached by ClinVar (database versions not stated): TOPMed below 0.00001; gnomAD 0.00001; gnomAD exomes 0.00001.
gnomAD v4.1: 9 of 1,614,112 alleles (0.00056%); highest among the groups gnomAD compares: Non-Finnish European, 0.00076%; no homozygotes.

Submission:

Labcorp Genetics (formerly Invitae), Labcorp
Classification: Uncertain significance. Last evaluated: 2022-06-20. Review status: criteria provided, single submitter. Criteria: Invitae Variant Classification Sherloc (09022015). Collection method: clinical testing. Allele origin: germline.
Comment: In summary, the available evidence is currently insufficient to determine the role of this variant in disease. Therefore, it has been classified as a Variant of Uncertain Significance. Variants that disrupt the consensus splice site are a relatively common cause of aberrant splicing (PMID: 17576681, 9536098). Algorithms developed to predict the effect of sequence changes on RNA splicing suggest that this variant may disrupt the consensus splice site. This variant has not been reported in the literature in individuals affected with SNRNP200-related conditions. This variant is not present in population databases (gnomAD no frequency). This sequence change affects codon 851 of the SNRNP200 mRNA. It is a 'silent' change, meaning that it does not change the encoded amino acid sequence of the SNRNP200 protein. This variant also falls at the last nucleotide of exon 19, which is part of the consensus splice site for this exon.

Literature cited by the submitters: PubMed 17576681; PubMed 9536098.

NM_014014.5(SNRNP200):c.2553G>A (p.Gln851=)

Gene: SNRNP200 (small nuclear ribonucleoprotein U5 subunit 200; minus strand). Cytogenetic location: 2q11.2.
Variant type: single nucleotide variant.
Coding change: c.2553G>A on transcript NM_014014.5 (MANE Select); coding-DNA position 2553, G replaced by A.
Protein change: p.Gln851=; no amino-acid change (glutamine 851 retained).
Molecular consequence: synonymous variant.
Genome position (GRCh38, 1-based): chr2:96,290,684, C>T on the plus strand (G>A on the coding strand, the complement: SNRNP200 is on the minus strand). VCF-style: chr2-96290684-C-T. GRCh37 (hg19) VCF-style: chr2-96956422-C-T.
Identifiers: ClinVar variation 1350808 (VCV001350808.8), dbSNP rs1279118725, ClinGen allele CA427498959.
Genomic context (GRCh38, chr2:96,290,684, plus strand): 5'-CCCTGCATTTCAGGCAAGGATACTGATCCCTGCTGAGAATAAACTCAAAAGGCTCTGTAC[C>T]TGCAGAATGTCCAGTGCTCCCAGTTCTGTCCAACGCCCCTTCTCTGGACTGTACACCTGG-3'
Protein context (NP_054733.2, residues 841-861): WTELGALDIL[Gln851=]MLGRAGRPQY